The following is an entry in ClinVar:

NM_032603.5(LOXL3):c.1646T>C (p.Leu549Pro)

Gene: LOXL3 (lysyl oxidase like 3; minus strand). Cytogenetic location: 2p13.1.
Variant type: single nucleotide variant.
Coding change: c.1646T>C on transcript NM_032603.5 (MANE Select); coding-DNA position 1646, T replaced by C.
Protein change: p.Leu549Pro; replaces leucine 549 with proline.
Molecular consequence: missense variant.
Genome position (GRCh38, 1-based): chr2:74,534,708, A>G on the plus strand (T>C on the coding strand, the complement: LOXL3 is on the minus strand). VCF-style: chr2-74534708-A-G. GRCh37 (hg19) VCF-style: chr2-74761835-A-G.
Other names: c.1211T>C, p.Leu404Pro (NM_001289164.3); c.563T>C, p.Leu188Pro (NM_001289165.2); short protein forms L404P, L188P, L549P.
Identifiers: ClinVar variation 2168641 (VCV002168641.1), dbSNP rs144364530, ClinGen allele CA1728825.

ClinVar aggregate classification (germline): Uncertain significance (1 of 4 stars; one submission).

Allele frequency attached by ClinVar (database versions not stated): TOPMed 0.00006; gnomAD 0.00007; ESP Exome Variant Server 0.00008; ExAC 0.00012; gnomAD exomes 0.00013.
gnomAD v4.1: 197 of 1,614,032 alleles (0.012%); highest among the groups gnomAD compares: South Asian, 0.048%; no homozygotes.

Submission:

Labcorp Genetics (formerly Invitae), Labcorp
Classification: Uncertain significance. Last evaluated: 2022-06-20. Review status: criteria provided, single submitter. Criteria: Invitae Variant Classification Sherloc (09022015). Collection method: clinical testing. Allele origin: germline.
Comment: This sequence change replaces leucine, which is neutral and non-polar, with proline, which is neutral and non-polar, at codon 549 of the LOXL3 protein (p.Leu549Pro). This variant is present in population databases (rs144364530, gnomAD 0.05%). This variant has not been reported in the literature in individuals affected with LOXL3-related conditions. Algorithms developed to predict the effect of missense changes on protein structure and function (SIFT, PolyPhen-2, Align-GVGD) all suggest that this variant is likely to be disruptive. In summary, the available evidence is currently insufficient to determine the role of this variant in disease. Therefore, it has been classified as a Variant of Uncertain Significance.